The following is an entry in ClinVar:

ClinVar aggregate classification (germline): Uncertain significance (1 of 4 stars; one submission).

Submission:

Labcorp Genetics (formerly Invitae), Labcorp
Classification: Uncertain significance. Last evaluated: 2020-08-05. Review status: criteria provided, single submitter. Criteria: Invitae Variant Classification Sherloc (09022015). Collection method: clinical testing. Allele origin: germline.
Comment: In summary, the available evidence is currently insufficient to determine the role of this variant in disease. Therefore, it has been classified as a Variant of Uncertain Significance. Algorithms developed to predict the effect of missense changes on protein structure and function output the following: SIFT: "Deleterious"; PolyPhen-2: "Benign"; Align-GVGD: "Class C55". The alanine amino acid residue is found in multiple mammalian species, suggesting that this missense change does not adversely affect protein function. These predictions have not been confirmed by published functional studies and their clinical significance is uncertain. This variant has not been reported in the literature in individuals with USH2A-related conditions. This variant is not present in population databases (ExAC no frequency). This sequence change replaces valine with alanine at codon 2999 of the USH2A protein (p.Val2999Ala). The valine residue is highly conserved and there is a small physicochemical difference between valine and alanine.

NM_206933.4(USH2A):c.8996T>C (p.Val2999Ala)

Gene: USH2A (usherin; minus strand). Cytogenetic location: 1q41.
Variant type: single nucleotide variant.
Coding change: c.8996T>C on transcript NM_206933.4 (MANE Select); coding-DNA position 8996, T replaced by C.
Protein change: p.Val2999Ala; replaces valine 2999 with alanine.
Molecular consequence: missense variant.
Genome position (GRCh38, 1-based): chr1:215,845,883, A>G on the plus strand (T>C on the coding strand, the complement: USH2A is on the minus strand). VCF-style: chr1-215845883-A-G. GRCh37 (hg19) VCF-style: chr1-216019225-A-G.
Other names: short protein forms V2999A.
Identifiers: ClinVar variation 1026383 (VCV001026383.8), dbSNP rs1663829100, ClinGen allele CA344840727.
Genomic context (GRCh38, chr1:215,845,883, plus strand): 5'-CCCCCATCGCAAGTGGTTGCATGAAGTCCTGCACTGTTGATGCTGTGGACTCCATTGAAG[A>G]CAGAGATAAAGATCCAATACTCTGTGTTTGGCTTTAGGTGGCCAATGACATGAGAGTTTA-3'
Protein context (NP_996816.3, residues 2989-3009): PNTEYWIFIS[Val2999Ala]FNGVHSINSA